The following is an entry in ClinVar:

NM_002382.5(MAX):c.211_221del (p.Ile71fs)

Gene: MAX (MYC associated transcriptional regulator X; minus strand). Cytogenetic location: 14q23.3.
Variant type: Deletion.
Coding change: c.211_221del on transcript NM_002382.5 (MANE Select); coding-DNA positions 211 to 221, 11 bases deleted (ATCCAGTATAT).
Protein change: p.Ile71fs; shifts the reading frame from isoleucine 71.
Molecular consequence: frameshift variant. On other transcripts: 5 prime UTR variant (1), intron variant (2).
Genome position (GRCh38, 1-based): chr14:65,077,987-65,077,997, ATATACTGGAT deleted on the plus strand (ATCCAGTATAT on the coding strand, the reverse complement: MAX is on the minus strand); deleting any 11 consecutive bases within chr14:65,077,987-65,078,001 gives the same sequence; the c. name uses the placement nearest the transcript's 3' end. VCF-style (leftmost placement, unchanged base first): chr14-65077986-CATATACTGGAT-C. GRCh37 (hg19) VCF-style: chr14-65544704-CATATACTGGAT-C.
Other names: c.-64_-54del (NM_001320415.2); c.207_217delATATATCCAGT, p.Ile71Alafs (NM_001407094.1, NM_001407096.1, NM_001407097.1 and 2 more transcripts); c.180_190delATATATCCAGT, p.Ile62Alafs (NM_001407095.1, NM_001407099.1, NM_001407100.1 and 5 more transcripts); c.99_109delATATATCCAGT, p.Ile35Alafs (NM_001407098.1); c.-68_-58delATATATCCAGT (NM_001407105.1, NM_001407106.1, NM_001407107.1); c.-161_-151delATATATCCAGT (NM_001407111.1, NM_001407112.1); c.184_194del, p.Ile62fs (NM_145112.3); c.211_221del, p.Ile71fs (NM_145113.3); and 2 more; short protein forms I62fs, I71fs.
Identifiers: ClinVar variation 404110 (VCV000404110.7), dbSNP rs1060500101, ClinGen allele CA16614204.
Genomic context (GRCh38, chr14:65,077,986, plus strand): 5'-AAGAGCATTCTGCCGCTTGAGGTCGTCAATATCTTGCTGGTGTGTGTGGTTTTTCCTTCG[CATATACTGGAT>C]ATATTCTGTGGCTTTGTCTAGGATTTGGGCCCGGGATGCCTGTGGCAATATGAGAAAAAG-3'

ClinVar aggregate classification (germline): Pathogenic (1 of 4 stars; one submission).

Conditions:
Hereditary pheochromocytoma and paraganglioma. Also called: Hereditary Paraganglioma-Pheochromocytoma Syndromes; Hereditary paragangliomas and pheochromocytomas; Hereditary pheochromocytoma-paraganglioma. Identifiers: Orphanet 29072, MedGen C4274332, MONDO:0017366.

Submission:

Labcorp Genetics (formerly Invitae), Labcorp
Classification: Pathogenic for Hereditary pheochromocytoma and paraganglioma. Last evaluated: 2016-05-03. Review status: criteria provided, single submitter. Criteria: Invitae Variant Classification Sherloc (09022015). Collection method: clinical testing. Allele origin: germline.
Comment: For these reasons, this variant has been classified as Pathogenic. While this particular variant has not been reported in the literature, truncating variants in MAX are known to be pathogenic (PMID: 21685915, 26070438). This sequence change deletes 11 nucleotides from exon 4 of the MAX mRNA (c.211_221delATCCAGTATAT), causing a frameshift at codon 71. This creates a premature translational stop signal (p.Ile71Alafs*12) and is expected to result in an absent or disrupted protein product.

Literature cited by the submitters: PubMed 21685915; PubMed 26070438.